The following is an entry in ClinVar:

NM_004260.4(RECQL4):c.3471_3472insG (p.Arg1158fs)

Gene: RECQL4 (RecQ like helicase 4; minus strand). Cytogenetic location: 8q24.3.
Variant type: Insertion.
Coding change: c.3471_3472insG on transcript NM_004260.4 (MANE Select); coding-DNA positions 3471 to 3472, G inserted.
Protein change: p.Arg1158fs; shifts the reading frame from arginine 1158.
Molecular consequence: frameshift variant.
Genome position: GRCh38 VCF-style: chr8-144511711-T-TC. GRCh37 (hg19) VCF-style: chr8-145737094-T-TC.
Other names: short protein forms R1158fs.
Identifiers: ClinVar variation 1692768 (VCV001692768.1), dbSNP rs2130651375, ClinGen allele CA2573143041.

ClinVar aggregate classification (germline): Likely pathogenic (1 of 4 stars; one submission).

Conditions:
Hereditary cancer-predisposing syndrome. Also called: Hereditary neoplastic syndrome; Tumor predisposition; Neoplastic Syndromes, Hereditary; Hereditary Cancer Syndrome. Identifiers: Orphanet 140162, MedGen C0027672, MeSH D009386, MONDO:0015356.

Submission:

Sema4
Classification: Likely pathogenic for Hereditary cancer-predisposing syndrome. Last evaluated: 2021-10-01. Review status: criteria provided, single submitter. Criteria: Sema4 Curation Guidelines. Collection method: curation. Allele origin: germline.
Comment: The RECQL4 c.3471_3472insG (p.R1158EfsX69) variant has not been reported to our knowledge. This variant causes a frameshift at amino acid 1158 that results in premature termination 69 amino acids downstream This variant is predicted to cause a loss of normal protein function through protein truncation. Loss-of-function variants in RECQL4 are known to be pathogenic (PMID: 12952869, 12734318). It was not observed in the large and broad cohorts of the Genome Aggregation Database. The variant has not been reported in ClinVar. Based on the current evidence available, this variant is interpreted as likely pathogenic.

Literature cited by the submitters: PubMed 12952869; PubMed 12734318.